The following is an entry in ClinVar:

NC_000003.11:g.(?_136002659)_(136016934_?)del

Gene: PCCB (propionyl-CoA carboxylase subunit beta; plus strand). Cytogenetic location: 3q22.3.
Variant type: Deletion.
Identifiers: ClinVar variation 2423242 (VCV002423242.4).

ClinVar aggregate classification (germline): Pathogenic (1 of 4 stars; one submission).

Conditions:
Propionic acidemia (PROP). Also called: GLYCINEMIA, KETOTIC; HYPERGLYCINEMIA WITH KETOACIDOSIS AND LEUKOPENIA; KETOTIC HYPERGLYCINEMIA. Identifiers: Orphanet 35, MedGen C0268579, MONDO:0011628, OMIM 606054, HP:0003571.

Submission:

Labcorp Genetics (formerly Invitae), Labcorp
Classification: Pathogenic for Propionic acidemia. Last evaluated: 2022-06-04. Review status: criteria provided, single submitter. Criteria: Invitae Variant Classification Sherloc (09022015). Collection method: clinical testing. Allele origin: germline.
Comment: For these reasons, this variant has been classified as Pathogenic. This variant has not been reported in the literature in individuals affected with PCCB-related conditions. This variant is a gross deletion of the genomic region encompassing exon(s) 6-8 of the PCCB gene. This deletion is out-of-frame, and is expected to create a premature termination codon and result in an absent or disrupted protein product. Loss-of-function variants in PCCB are known to be pathogenic (PMID: 15464417).

Literature cited by the submitters: PubMed 15464417.